The following is an entry in ClinVar:

NM_138694.4(PKHD1):c.338del (p.Gly113fs)

Gene: PKHD1 (PKHD1 ciliary IPT domain containing fibrocystin/polyductin; minus strand). Cytogenetic location: 6p12.2.
Variant type: Deletion.
Coding change: c.338del on transcript NM_138694.4 (MANE Select); coding-DNA position 338, one base deleted (G; older notation c.338delG).
Protein change: p.Gly113fs; shifts the reading frame from glycine 113.
Molecular consequence: frameshift variant.
Genome position (GRCh38, 1-based): chr6:52,079,952, C deleted on the plus strand (G on the coding strand, the reverse complement: PKHD1 is on the minus strand); the first of 5 consecutive C bases (chr6:52,079,952-52,079,956); deleting any one gives the same sequence. VCF-style (leftmost placement, unchanged base first): chr6-52079951-TC-T. GRCh37 (hg19) VCF-style: chr6-51944749-TC-T.
Other names: c.338del, p.Gly113fs (NM_170724.3); short protein forms G113fs.
Identifiers: ClinVar variation 2031917 (VCV002031917.4), dbSNP rs2533717157, ClinGen allele CA2580075588.

ClinVar aggregate classification (germline): Pathogenic (1 of 4 stars; one submission).

Conditions:
Autosomal recessive polycystic kidney disease (ARPKD). Also called: AR polycystic kidney disease. Identifiers: Orphanet 731, Orphanet 8378, MedGen C0085548, MeSH D017044, MONDO:0009889.

Submission:

Labcorp Genetics (formerly Invitae), Labcorp
Classification: Pathogenic for Autosomal recessive polycystic kidney disease. Last evaluated: 2022-09-22. Review status: criteria provided, single submitter. Criteria: Invitae Variant Classification Sherloc (09022015). Collection method: clinical testing. Allele origin: germline.
Comment: This variant is not present in population databases (gnomAD no frequency). For these reasons, this variant has been classified as Pathogenic. This variant has not been reported in the literature in individuals affected with PKHD1-related conditions. This sequence change creates a premature translational stop signal (p.Gly113Aspfs*4) in the PKHD1 gene. It is expected to result in an absent or disrupted protein product. Loss-of-function variants in PKHD1 are known to be pathogenic (PMID: 19940839).

Literature cited by the submitters: PubMed 19940839.